The following is an entry in ClinVar:

NM_000214.3(JAG1):c.3353A>T (p.Gln1118Leu)

Gene: JAG1 (jagged canonical Notch ligand 1; minus strand). Cytogenetic location: 20p12.2.
Variant type: single nucleotide variant.
Coding change: c.3353A>T on transcript NM_000214.3 (MANE Select); coding-DNA position 3353, A replaced by T.
Protein change: p.Gln1118Leu; replaces glutamine 1118 with leucine.
Molecular consequence: missense variant.
Genome position (GRCh38, 1-based): chr20:10,639,802, T>A on the plus strand (A>T on the coding strand, the complement: JAG1 is on the minus strand). VCF-style: chr20-10639802-T-A. GRCh37 (hg19) VCF-style: chr20-10620450-T-A.
Other names: c.3353A>T (NM_000214.2); short protein forms Q1118L.
Identifiers: ClinVar variation 3715210 (VCV003715210.3).
Genomic context (GRCh38, chr20:10,639,802, plus strand): 5'-TCCTTGATGGGGACCGTGTTGGCCCCATGTTTCTCAATGGGGTTTTTGATCTGGTTCAGC[T>A]GCTCCCGCACGTTGTTGGTGGTGTTGTCCTCAGAGGCTGAGTGTGTGTGGCTGCCCGGCT-3'
Protein context (NP_000205.1, residues 1108-1128): EDNTTNNVRE[Gln1118Leu]LNQIKNPIEK

ClinVar aggregate classification (germline): Uncertain significance. Review status: criteria provided, multiple submitters, no conflicts (2 of 4 stars). 2 submissions from 2 submitters: Uncertain significance (2). Last evaluated 2025-07-03.

Conditions:
Alagille syndrome due to a JAG1 point mutation. Also called: JAG1-Related Alagille Syndrome; HEPATIC DUCTULAR HYPOPLASIA, SYNDROMATIC; Alagille Syndrome 1. Identifiers: Orphanet 261619, Orphanet 52, MedGen C1956125, MONDO:0016862, OMIM 118450.
Cardiovascular phenotype. Identifiers: MedGen CN230736.

gnomAD v4.1: 1 of 1,614,220 alleles (0.000062%); highest among the groups gnomAD compares: Non-Finnish European, 0.000085%; no homozygotes.

Submissions (2):

Ambry Genetics
Classification: Uncertain significance for Cardiovascular phenotype. Last evaluated: 2025-07-03. Review status: criteria provided, single submitter. Criteria: Ambry Variant Classification Scheme 2023. Collection method: clinical testing. Allele origin: germline.
Comment: The p.Q1118L variant (also known as c.3353A>T), located in coding exon 26 of the JAG1 gene, results from an A to T substitution at nucleotide position 3353. The glutamine at codon 1118 is replaced by leucine, an amino acid with dissimilar properties. This amino acid position is conserved. In addition, the in silico prediction for this alteration is inconclusive. Based on the available evidence, the clinical significance of this variant remains unclear.

Labcorp Genetics (formerly Invitae), Labcorp
Classification: Uncertain significance for Alagille syndrome due to a JAG1 point mutation. Last evaluated: 2024-06-26. Review status: criteria provided, single submitter. Criteria: Invitae Variant Classification Sherloc (09022015). Collection method: clinical testing. Allele origin: germline.
Comment: This sequence change replaces glutamine, which is neutral and polar, with leucine, which is neutral and non-polar, at codon 1118 of the JAG1 protein (p.Gln1118Leu). This variant is not present in population databases (gnomAD no frequency). This variant has not been reported in the literature in individuals affected with JAG1-related conditions. Advanced modeling of protein sequence and biophysical properties (such as structural, functional, and spatial information, amino acid conservation, physicochemical variation, residue mobility, and thermodynamic stability) performed at Invitae indicates that this missense variant is not expected to disrupt JAG1 protein function with a negative predictive value of 80%. In summary, the available evidence is currently insufficient to determine the role of this variant in disease. Therefore, it has been classified as a Variant of Uncertain Significance.